The following is an entry in ClinVar:

ClinVar aggregate classification (germline): Likely pathogenic (1 of 4 stars; one submission).

Conditions:
SHORT syndrome. Also called: PIK3R1-Related SHORT Syndrome; SHORT STATURE, HYPEREXTENSIBILITY, HERNIA, OCULAR DEPRESSION, RIEGER ANOMALY, AND TEETHING DELAY; LIPODYSTROPHY, PARTIAL, WITH RIEGER ANOMALY AND SHORT STATURE. Identifiers: Orphanet 3163, MedGen C0878684, MONDO:0010026, OMIM 269880.

Submission:

Nephrology and Endocrinology Department, Children’s Hospital 2
Classification: Likely pathogenic for SHORT syndrome. Review status: criteria provided, single submitter. Criteria: ACMG Guidelines, 2015. Collection method: clinical testing. Allele origin: germline. Inheritance: Autosomal dominant inheritance. Affected: yes. Observed: 1 variant allele, 1 heterozygote.
Comment: The variant is located at the nucleotide position 68,296,302–68,296,303 (exon 15), involving a duplication of 25 nucleotides (GGAGAGCAGTAAACAGGGCTGCTAT). This result was further confirmed by Sanger sequencing. This frameshift variant is predicted to cause the premature termination and a truncation of PI3K protein. This variant has not been previously reported in the ClinVar database. The variant is not found in the gnomAD genome and it involves a loss-of-function mutation in the PIK3R1 gene, which is a known mechanism for SHORT syndrome. These findings fulfill the PM2 and PVS1 criteria according to the guidelines for variant interpretation and classification of the American College of Medical Genetics (ACMG). Regarding molecular consequences, this mutation replaces alanine at position 658 with glycine and leads to a premature termination of translation, producing a truncated PI3K protein.

Literature cited by the submitters: DOI 10.1002/ccr3.70820.

NM_181523.3(PIK3R1):c.1948_1972dup (p.Ala658delinsGlyGluGlnTer)

Gene: PIK3R1 (phosphoinositide-3-kinase regulatory subunit 1; plus strand). Cytogenetic location: 5q13.1.
Variant type: Duplication.
Coding change: c.1948_1972dup on transcript NM_181523.3 (MANE Select); coding-DNA positions 1948 to 1972, 25 bases duplicated (GAGAGCAGTAAACAGGGCTGCTATG).
Protein change: p.Ala658delinsGlyGluGlnTer.
Molecular consequence: nonsense.
Genome position (GRCh38, 1-based): chr5:68,296,304-68,296,328, GAGAGCAGTAAACAGGGCTGCTATG duplicated; duplicating any 25 consecutive bases within chr5:68,296,303-68,296,328 gives the same sequence; the c. name uses the placement nearest the transcript's 3' end. VCF-style (leftmost placement, unchanged base first): chr5-68296302-G-GGGAGAGCAGTAAACAGGGCTGCTAT. GRCh37 (hg19) VCF-style: chr5-67592130-G-GGGAGAGCAGTAAACAGGGCTGCTAT.
Other names: c.859_883dup, p.Ala295delinsGlyGluGlnTer (NM_001242466.2); c.1138_1162dup, p.Ala388delinsGlyGluGlnTer (NM_181504.4); c.1048_1072dup, p.Ala358delinsGlyGluGlnTer (NM_181524.2).
Identifiers: ClinVar variation 4823934 (VCV004823934.1).